The following is an entry in ClinVar:

NM_024408.4(NOTCH2):c.1791C>T (p.Pro597=)

Gene: NOTCH2 (notch receptor 2; minus strand). Cytogenetic location: 1p12.
Variant type: single nucleotide variant.
Coding change: c.1791C>T on transcript NM_024408.4 (MANE Select); coding-DNA position 1791, C replaced by T.
Protein change: p.Pro597=; no amino-acid change (proline 597 retained).
Molecular consequence: synonymous variant.
Genome position (GRCh38, 1-based): chr1:119,963,698, G>A on the plus strand (C>T on the coding strand, the complement: NOTCH2 is on the minus strand). VCF-style: chr1-119963698-G-A. GRCh37 (hg19) VCF-style: chr1-120506321-G-A.
Other names: c.1791C>T (NM_024408.3); c.1791C>T, p.Pro597= (NM_001200001.2).
Identifiers: ClinVar variation 500488 (VCV000500488.12), dbSNP rs781999109, ClinGen allele CA1040455.
Genomic context (GRCh38, chr1:119,963,698, plus strand): 5'-CAGGCAAGGGCTGCTGTAACATTCATCAATCTGGTCACTGCAGATGGCGCCCATGTACCC[G>A]GGATTGCAGATGCAGGTGTAGGAATCAATACCATCCTGACACTGACCATGGTGGCAAGGA-3'
Protein context (NP_077719.2, residues 587-607): GIDSYTCICN[Pro597=]GYMGAICSDQ

ClinVar aggregate classification (germline): Conflicting classifications of pathogenicity. Review status: criteria provided, conflicting classifications (1 of 4 stars). 3 submissions from 3 submitters: Uncertain significance (1); Likely benign (1). 1 of the submissions does not count toward it. Last evaluated 2025-02-17.

Conditions:
Hajdu-Cheney syndrome (HJCYS). Also called: ACROOSTEOLYSIS WITH OSTEOPOROSIS AND CHANGES IN SKULL AND MANDIBLE; SERPENTINE FIBULA-POLYCYSTIC KIDNEY SYNDROME; Acroosteolysis dominant type. Identifiers: Orphanet 955, MedGen C0917715, MONDO:0007057, OMIM 102500.
NOTCH2-related disorder. Also called: NOTCH2-related condition.

Allele frequency attached by ClinVar (database versions not stated): gnomAD 0.00001; gnomAD exomes 0.00009; ExAC 0.00012; TOPMed 0.00004.
gnomAD v4.1: 81 of 1,613,984 alleles (0.005%); highest among the groups gnomAD compares: South Asian, 0.069%; 2 homozygotes.

Submissions (3):

Labcorp Genetics (formerly Invitae), Labcorp
Classification: Likely benign for Hajdu-Cheney syndrome. Last evaluated: 2025-02-17. Review status: criteria provided, single submitter. Criteria: Invitae Variant Classification Sherloc (09022015). Collection method: clinical testing. Allele origin: germline.

Eurofins Ntd Llc (ga)
Classification: Uncertain significance. Last evaluated: 2018-03-15. Review status: criteria provided, single submitter. Criteria: EGL ClinVar v180209 classification definitions. Collection method: clinical testing. Allele origin: germline. Observed: 2 variant alleles, 2 heterozygotes.

PreventionGenetics, part of Exact Sciences
Classification: Likely benign for NOTCH2-related condition. Last evaluated: 2022-08-09. Review status: no assertion criteria provided. Collection method: clinical testing. Allele origin: germline. Not counted in ClinVar's aggregate classification.
Comment: This variant is classified as likely benign based on ACMG/AMP sequence variant interpretation guidelines (Richards et al. 2015 PMID: 25741868, with internal and published modifications).